The following is an entry in ClinVar:

ClinVar aggregate classification (germline): Uncertain significance. Review status: criteria provided, multiple submitters, no conflicts (2 of 4 stars). 2 submissions from 2 submitters: Uncertain significance (2). Last evaluated 2025-10-18.

Conditions:
Cardiovascular phenotype. Identifiers: MedGen CN230736.

Allele frequency attached by ClinVar (database versions not stated): gnomAD exomes below 0.00001; ExAC 0.00001.
gnomAD v4.1: 2 of 1,613,362 alleles (0.00012%); highest among the groups gnomAD compares: Non-Finnish European, 0.00017%; no homozygotes.

Submissions (2):

Ambry Genetics
Classification: Uncertain significance for Cardiovascular phenotype. Last evaluated: 2025-10-18. Review status: criteria provided, single submitter. Criteria: Ambry Variant Classification Scheme 2023. Collection method: clinical testing. Allele origin: germline.

GeneDx
Classification: Uncertain significance. Last evaluated: 2022-04-05. Review status: criteria provided, single submitter. Criteria: GeneDx Variant Classification Process June 2021. Collection method: clinical testing. Allele origin: germline. Affected: yes.
Comment: Not observed at significant frequency in large population cohorts (gnomAD); In silico analysis supports that this missense variant has a deleterious effect on protein structure/function; Has not been previously published as pathogenic or benign to our knowledge

NM_006514.4(SCN10A):c.4223T>G (p.Phe1408Cys)

Gene: SCN10A (sodium voltage-gated channel alpha subunit 10; minus strand). Cytogenetic location: 3p22.2.
Variant type: single nucleotide variant.
Coding change: c.4223T>G on transcript NM_006514.4 (MANE Select); coding-DNA position 4223, T replaced by G.
Protein change: p.Phe1408Cys; replaces phenylalanine 1408 with cysteine.
Molecular consequence: missense variant.
Genome position (GRCh38, 1-based): chr3:38,709,536, A>C on the plus strand (T>G on the coding strand, the complement: SCN10A is on the minus strand). VCF-style: chr3-38709536-A-C. GRCh37 (hg19) VCF-style: chr3-38751027-A-C.
Other names: c.4220T>G, p.Phe1407Cys (NM_001293306.2); c.3929T>G, p.Phe1310Cys (NM_001293307.2); short protein forms F1310C, F1407C, F1408C.
Identifiers: ClinVar variation 1708595 (VCV001708595.3), dbSNP rs779723844, ClinGen allele CA2319976.
Genomic context (GRCh38, chr3:38,709,536, plus strand): 5'-ATCTTTTTTTTCTGTTGATTGAAGTTGTCAATTATGACCCCAACAAAGAGATTCAGTGTG[A>C]AGAAGCCTCCAAAAATGATGAAGATGACAAAGTACAAATACATGTACACGTTGTCCTCCC-3'
Protein context (NP_006505.4, residues 1398-1418): FVIFIIFGGF[Phe1408Cys]TLNLFVGVII